The following is an entry in ClinVar:

ClinVar aggregate classification (germline): Conflicting classifications of pathogenicity. Review status: criteria provided, conflicting classifications (1 of 4 stars). 7 submissions from 7 submitters: Uncertain significance (1); Benign (4); Likely benign (2). Last evaluated 2026-09-01.

Conditions:
Cardiovascular phenotype. Identifiers: MedGen CN230736.
Vesicoureteral reflux 8 (VUR8). Identifiers: Orphanet 289365, MedGen C4014831, MONDO:0014422, OMIM 615963.
Ehlers-Danlos syndrome (EDS). Identifiers: Orphanet 98249, MedGen C0013720, MONDO:0020066.

Allele frequency attached by ClinVar (database versions not stated): ESP Exome Variant Server 0.00013; gnomAD exomes 0.00029 and 0.00093; gnomAD 0.00053 and 0.00068; TOPMed 0.00073; ExAC 0.00082; 1000 Genomes Project 0.00539; 1000 Genomes Project 30x 0.00547.
gnomAD v4.1: 534 of 1,613,512 alleles (0.033%); highest among the groups gnomAD compares: Admixed American, 0.74%; 16 homozygotes.

Submissions (7):

CeGaT Center for Human Genetics Tuebingen
Classification: Likely benign. Last evaluated: 2026-09-01. Review status: criteria provided, single submitter. Criteria: CeGaT Center For Human Genetics Tuebingen Variant Classification Criteria Version 2. Collection method: clinical testing. Allele origin: germline. Affected: yes. Observed: 5 variant alleles.
Comment: TNXB: BP4, BS2

Labcorp Genetics (formerly Invitae), Labcorp
Classification: Benign. Last evaluated: 2026-01-17. Review status: criteria provided, single submitter. Criteria: Invitae Variant Classification Sherloc (09022015). Collection method: clinical testing. Allele origin: germline.

Mayo Clinic Laboratories, Mayo Clinic
Classification: Benign. Last evaluated: 2025-03-19. Review status: criteria provided, single submitter. Criteria: ACMG Guidelines, 2015. Collection method: clinical testing. Allele origin: germline. Observed: 2 variant alleles.
Comment: BS1, BS2, BP4

GeneDx
Classification: Benign. Last evaluated: 2021-01-13. Review status: criteria provided, single submitter. Criteria: GeneDx Variant Classification Process June 2021. Collection method: clinical testing. Allele origin: germline. Affected: yes.

Genome Diagnostics Laboratory, The Hospital for Sick Children
Classification: Likely benign for Ehlers-Danlos syndrome. Last evaluated: 2020-06-01. Review status: criteria provided, single submitter. Criteria: ACMG Guidelines, 2015. Collection method: clinical testing. Allele origin: germline.

Ambry Genetics
Classification: Benign for Cardiovascular phenotype. Last evaluated: 2019-11-19. Review status: criteria provided, single submitter. Criteria: Ambry Variant Classification Scheme 2023. Collection method: clinical testing. Allele origin: germline.

Revvity Omics, Revvity
Classification: Uncertain significance for Vesicoureteral reflux 8. Last evaluated: 2019-07-23. Review status: criteria provided, single submitter. Criteria: ACMG Guidelines, 2015. Collection method: clinical testing. Allele origin: germline.

NM_001365276.2(TNXB):c.8680G>A (p.Glu2894Lys)

Gene: TNXB (tenascin XB; minus strand). Cytogenetic location: 6p21.33.
Variant type: single nucleotide variant.
Coding change: c.8680G>A on transcript NM_001365276.2 (MANE Select); coding-DNA position 8680, G replaced by A.
Protein change: p.Glu2894Lys; replaces glutamic acid 2894 with lysine.
Molecular consequence: missense variant.
Genome position (GRCh38, 1-based): chr6:32,053,499, C>T on the plus strand (G>A on the coding strand, the complement: TNXB is on the minus strand). VCF-style: chr6-32053499-C-T. GRCh37 (hg19) VCF-style: chr6-32021276-C-T.
Other names: p.Glu2892Lys; c.8674G>A, p.Glu2892Lys (NM_019105.8); short protein forms E2892K, E2894K.
Identifiers: ClinVar variation 1290218 (VCV001290218.15), dbSNP rs181699780, ClinGen allele CA3733775.